The following is an entry in ClinVar:

NM_004336.5(BUB1):c.1870G>T (p.Asp624Tyr)

Gene: BUB1 (BUB1 mitotic checkpoint serine/threonine kinase; minus strand). Cytogenetic location: 2q13.
Variant type: single nucleotide variant.
Coding change: c.1870G>T on transcript NM_004336.5 (MANE Select); coding-DNA position 1870, G replaced by T.
Protein change: p.Asp624Tyr; replaces aspartic acid 624 with tyrosine.
Molecular consequence: missense variant.
Genome position (GRCh38, 1-based): chr2:110,655,745, C>A on the plus strand (G>T on the coding strand, the complement: BUB1 is on the minus strand). VCF-style: chr2-110655745-C-A. GRCh37 (hg19) VCF-style: chr2-111413322-C-A.
Other names: c.1810G>T, p.Asp604Tyr (NM_001278616.2); c.1870G>T, p.Asp624Tyr (NM_001278617.2); short protein forms D604Y, D624Y.
Identifiers: ClinVar variation 3224021 (VCV003224021.1), dbSNP rs146717997, ClinGen allele CA348210436.

ClinVar aggregate classification (germline): Uncertain significance (1 of 4 stars; one submission).

gnomAD v4.1: 7 of 1,613,170 alleles (0.00043%); highest among the groups gnomAD compares: Non-Finnish European, 0.00059%; no homozygotes.

Submission:

Ambry Genetics
Classification: Uncertain significance. Last evaluated: 2022-12-18. Review status: criteria provided, single submitter. Criteria: Ambry Variant Classification Scheme 2023. Collection method: clinical testing. Allele origin: germline.
Comment: The p.D624Y variant (also known as c.1870G>T), located in coding exon 16 of the BUB1 gene, results from a G to T substitution at nucleotide position 1870. The aspartic acid at codon 624 is replaced by tyrosine, an amino acid with highly dissimilar properties. This amino acid position is conserved. In addition, the in silico prediction for this alteration is inconclusive. Since supporting evidence is limited at this time, the clinical significance of this alteration remains unclear.